The following is an entry in ClinVar:

ClinVar aggregate classification (germline): Conflicting classifications of pathogenicity. Review status: criteria provided, conflicting classifications (1 of 4 stars). 5 submissions from 5 submitters: Uncertain significance (4); Likely benign (1). Last evaluated 2026-08-19.

Conditions:
Cardiovascular phenotype. Identifiers: MedGen CN230736.
TTN-related disorder. Also called: TTN-related condition; TTN-related disease; TTN-related disorders.

Allele frequency attached by ClinVar (database versions not stated): gnomAD 0.00003; TOPMed 0.00005.
gnomAD v4.1: 26 of 1,612,744 alleles (0.0016%); highest among the groups gnomAD compares: Non-Finnish European, 0.0021%; no homozygotes.

Submissions (5):

PreventionGenetics, part of Exact Sciences
Classification: Uncertain significance for TTN-related condition. Last evaluated: 2026-08-19. Review status: criteria provided, single submitter. Criteria: ACMG Guidelines, 2015. Collection method: clinical testing. Allele origin: germline.
Comment: The TTN c.50812G>C variant is predicted to result in the amino acid substitution p.Glu16938Gln. This variant has been reported in an individual with dilated cardiomyopathy (Begay et al. 2015. PubMed ID: 26567375 ). This variant is reported in 0.0055% of alleles in individuals of European (Non-Finnish) descent in gnomAD and has conflicting interpretations regarding its pathogenicity in ClinVar, ranging from likely benign to uncertain (Variation ID: 166004). At this time, the clinical significance of this variant is uncertain due to the absence of conclusive functional and genetic evidence.

Women's Health and Genetics/Laboratory Corporation of America, LabCorp
Classification: Uncertain significance. Last evaluated: 2021-06-21. Review status: criteria provided, single submitter. Criteria: LabCorp Variant Classification Summary - May 2015. Collection method: clinical testing. Allele origin: germline.
Comment: Variant summary: TTN c.43108G>C (p.Glu14370Gln) results in a conservative amino acid change located in the A band domain of the encoded protein sequence. Two of four in-silico tools predict a benign effect of the variant on protein function. The variant allele was found at a frequency of 2e-05 in 247626 control chromosomes. The available data on variant occurrences in the general population are insufficient to allow any conclusion about variant significance. c.43108G>C has been reported in the literature in individuals affected with Dilated Cardiomyopathy (Begay_2015). This report does not provide unequivocal conclusions about association of the variant with Dilated Cardiomyopathy. To our knowledge, no experimental evidence demonstrating an impact on protein function has been reported. No clinical diagnostic laboratories have submitted clinical-significance assessments for this variant to ClinVar after 2014. Based on the evidence outlined above, the variant was classified as uncertain significance.

GeneDx
Classification: Likely benign. Last evaluated: 2020-09-22. Review status: criteria provided, single submitter. Criteria: GeneDx Variant Classification Process June 2021. Collection method: clinical testing. Allele origin: germline. Affected: yes.

Ambry Genetics
Classification: Uncertain significance for Cardiovascular phenotype. Last evaluated: 2019-12-21. Review status: criteria provided, single submitter. Criteria: Ambry Variant Classification Scheme 2023. Collection method: clinical testing. Allele origin: germline.
Comment: The p.E7873Q variant (also known as c.23617G>C), located in coding exon 96 of the TTN gene, results from a G to C substitution at nucleotide position 23617. The glutamic acid at codon 7873 is replaced by glutamine, an amino acid with highly similar properties. This amino acid position is not well conserved in available vertebrate species. In addition, this alteration is predicted to be tolerated by in silico analysis. Since supporting evidence is limited at this time, the clinical significance of this alteration remains unclear.

Laboratory for Molecular Medicine, Mass General Brigham Personalized Medicine
Classification: Uncertain significance. Last evaluated: 2013-04-17. Review status: criteria provided, single submitter. Criteria: LMM Criteria. Collection method: clinical testing. Allele origin: germline. Observed: 2 variant alleles.
Comment: It has been identified in 1/34 4 chromosomes from a clinical cohort though no details are available (Mestroni; dbSNP rs72677250). Computational analyses (biochemical amino acid properties, co nservation, AlignGVGD, PolyPhen2, and SIFT) do not provide strong support for or against an impact to the protein. At this time, additional information is neede d to fully assess the clinical significance of this variant.

Literature cited by the submitters: PubMed 26567375 (cited by Women's Health and Genetics/Laboratory Corporation of America, LabCorp).

NM_001267550.2(TTN):c.50812G>C (p.Glu16938Gln)

Genes: TTN (titin; minus strand), TTN-AS1 (TTN antisense RNA 1; plus strand). Cytogenetic location: 2q31.2.
Variant type: single nucleotide variant.
Coding change: c.50812G>C on transcript NM_001267550.2 (MANE Select); coding-DNA position 50812, G replaced by C.
Protein change: p.Glu16938Gln; replaces glutamic acid 16938 with glutamine.
Molecular consequence: missense variant.
Genome position (GRCh38, 1-based): chr2:178,611,417, C>G on the plus strand (G>C on the coding strand, the complement: TTN is on the minus strand). VCF-style: chr2-178611417-C-G. GRCh37 (hg19) VCF-style: chr2-179476144-C-G.
Other names: p.E15297Q:GAG>CAG; c.45889G>C, p.Glu15297Gln (NM_001256850.1); c.43108G>C, p.Glu14370Gln (NM_133378.4); c.23617G>C, p.Glu7873Gln (NM_003319.4); c.23992G>C, p.Glu7998Gln (NM_133432.3); c.24193G>C, p.Glu8065Gln (NM_133437.4); short protein forms E14370Q, E16938Q, E15297Q, E7998Q, E7873Q, E8065Q.
Identifiers: ClinVar variation 166004 (VCV000166004.10), dbSNP rs72677250, ClinGen allele CA178809.